The following is an entry in ClinVar:

ClinVar aggregate classification (germline): Conflicting classifications of pathogenicity. Review status: criteria provided, conflicting classifications (1 of 4 stars). 5 submissions from 5 submitters: Pathogenic (1); Likely pathogenic (1); Uncertain significance (2). 1 of the submissions does not count toward it. Last evaluated 2025-05-08.

Conditions:
Familial porphyria cutanea tarda (PCT). Also called: PCT, ''FAMILIAL'' TYPE; PCT, TYPE II; PORPHYRIA CUTANEA TARDA, TYPE II; PORPHYRIA, HEPATOCUTANEOUS TYPE; UROD DEFICIENCY; UROPORPHYRINOGEN DECARBOXYLASE DEFICIENCY. Identifiers: Orphanet 101330, Orphanet 443062, MedGen C0268323, MONDO:0008296, OMIM 176100.

Allele frequency attached by ClinVar (database versions not stated): gnomAD below 0.00001 and 0.00007; TOPMed 0.00002; gnomAD exomes 0.00029; ExAC 0.00039; 1000 Genomes Project 0.00060; 1000 Genomes Project 30x 0.00062.

Submissions (5):

First Genomix Gene Laboratory, Genetic Diagnostics Department
Classification: Likely pathogenic for Familial porphyria cutanea tarda. Last evaluated: 2025-05-08. Review status: criteria provided, single submitter. Criteria: ACMG Guidelines, 2015. Collection method: clinical testing. Allele origin: germline. Inheritance: Autosomal recessive inheritance. Affected: no. Observed: 1 variant allele.

Department of Pathology and Laboratory Medicine, Sinai Health System
Classification: Uncertain significance for Familial porphyria cutanea tarda. Last evaluated: 2022-11-21. Review status: criteria provided, single submitter. Criteria: ACMG Guidelines, 2015. Collection method: research. Allele origin: germline.

Mendelics
Classification: Pathogenic for Familial porphyria cutanea tarda. Last evaluated: 2022-05-04. Review status: criteria provided, single submitter. Criteria: Mendelics Assertion Criteria 2019. Collection method: clinical testing. Allele origin: germline.

CENTOGENE GmbH and LLC - Guiding Precision Medicine
Classification: Uncertain significance for Familial porphyria cutanea tarda. Last evaluated: 2021-09-08. Review status: criteria provided, single submitter. Criteria: ACMG Guidelines, 2015. Collection method: clinical testing. Allele origin: germline.

OMIM
Classification: Pathogenic for PORPHYRIA CUTANEA TARDA. Last evaluated: 1998-11-01. Review status: no assertion criteria provided. Collection method: literature only. Allele origin: germline. Not counted in ClinVar's aggregate classification.

Literature cited by the submitters: PubMed 9792863 (cited by OMIM).

NM_000374.5(UROD):c.995G>A (p.Arg332His)

Gene: UROD (uroporphyrinogen decarboxylase; plus strand). Cytogenetic location: 1p34.1.
Variant type: single nucleotide variant.
Coding change: c.995G>A on transcript NM_000374.5 (MANE Select); coding-DNA position 995, G replaced by A.
Protein change: p.Arg332His; replaces arginine 332 with histidine.
Molecular consequence: missense variant. On other transcripts: non-coding transcript variant (3).
Genome position (GRCh38, 1-based): chr1:45,015,389, G>A. VCF-style: chr1-45015389-G-A. GRCh37 (hg19) VCF-style: chr1-45481061-G-A.
Other names: short protein forms R332H.
Identifiers: ClinVar variation 76 (VCV000000076.5), dbSNP rs121918066, ClinGen allele CA251381.
Genomic context (GRCh38, chr1:45,015,389, plus strand): 5'-TCCCCCAGGAGGAGATCGGGCAGTTGGTGAAGCAGATGCTGGATGACTTTGGACCACATC[G>A]CTACATTGCCAACCTGGGCCATGGGCTTTATCCTGACATGGACCCAGAACATGTGGGCGC-3'
Protein context (NP_000365.3, residues 322-342): KQMLDDFGPH[Arg332His]YIANLGHGLY